The following is an entry in ClinVar:

NM_001365951.3(KIF1B):c.2624C>T (p.Thr875Ile)

Gene: KIF1B (kinesin family member 1B; plus strand). Cytogenetic location: 1p36.22.
Variant type: single nucleotide variant.
Coding change: c.2624C>T on transcript NM_001365951.3 (MANE Select); coding-DNA position 2624, C replaced by T.
Protein change: p.Thr875Ile; replaces threonine 875 with isoleucine.
Molecular consequence: missense variant.
Genome position (GRCh38, 1-based): chr1:10,324,844, C>T. VCF-style: chr1-10324844-C-T. GRCh37 (hg19) VCF-style: chr1-10384902-C-T.
Other names: c.2624C>T, p.Thr875Ile (NM_001365952.1); c.2486C>T, p.Thr829Ile (NM_015074.3); short protein forms T829I, T875I.
Identifiers: ClinVar variation 1438776 (VCV001438776.9), dbSNP rs757797211, ClinGen allele CA581570.

ClinVar aggregate classification (germline): Uncertain significance. Review status: criteria provided, multiple submitters, no conflicts (2 of 4 stars). 2 submissions from 2 submitters: Uncertain significance (2). Last evaluated 2025-04-16.

Conditions:
Charcot-Marie-Tooth disease type 2. Also called: Charcot-Marie-Tooth type 2. Identifiers: Orphanet 64746, MedGen C0270914, MONDO:0018993.

Allele frequency attached by ClinVar (database versions not stated): ExAC 0.00002; gnomAD exomes 0.00001.
gnomAD v4.1: 10 of 1,614,030 alleles (0.00062%); highest among the groups gnomAD compares: Non-Finnish European, 0.00085%; no homozygotes.

Submissions (2):

Ambry Genetics
Classification: Uncertain significance. Last evaluated: 2025-04-16. Review status: criteria provided, single submitter. Criteria: Ambry Variant Classification Scheme 2023. Collection method: clinical testing. Allele origin: germline.
Comment: The p.T829I variant (also known as c.2486C>T), located in coding exon 23 of the KIF1B gene, results from a C to T substitution at nucleotide position 2486. The threonine at codon 829 is replaced by isoleucine, an amino acid with similar properties. This amino acid position is highly conserved in available vertebrate species. In addition, the in silico prediction for this alteration is inconclusive. Since supporting evidence is limited at this time, the clinical significance of this alteration remains unclear.

Labcorp Genetics (formerly Invitae), Labcorp
Classification: Uncertain significance for Charcot-Marie-Tooth disease type 2. Last evaluated: 2022-09-12. Review status: criteria provided, single submitter. Criteria: Invitae Variant Classification Sherloc (09022015). Collection method: clinical testing. Allele origin: germline.
Comment: In summary, the available evidence is currently insufficient to determine the role of this variant in disease. Therefore, it has been classified as a Variant of Uncertain Significance. Advanced modeling of protein sequence and biophysical properties (such as structural, functional, and spatial information, amino acid conservation, physicochemical variation, residue mobility, and thermodynamic stability) performed at Invitae indicates that this missense variant is not expected to disrupt KIF1B protein function. ClinVar contains an entry for this variant (Variation ID: 1438776). This variant has not been reported in the literature in individuals affected with KIF1B-related conditions. This variant is present in population databases (rs757797211, gnomAD 0.003%). This sequence change replaces threonine, which is neutral and polar, with isoleucine, which is neutral and non-polar, at codon 829 of the KIF1B protein (p.Thr829Ile).